The following is an entry in ClinVar:

ClinVar aggregate classification (germline): Likely benign. Review status: criteria provided, multiple submitters, no conflicts (2 of 4 stars). 2 submissions from 2 submitters: Likely benign (2). Last evaluated 2023-12-06.

Conditions:
Early-infantile DEE. Also called: Early infantile epileptic encephalopathy with suppression bursts; Early infantile epileptic encephalopathy; Ohtahara syndrome. Identifiers: Orphanet 1934, MedGen C0393706, MONDO:0800491.

Allele frequency attached by ClinVar (database versions not stated): gnomAD exomes below 0.00001 and 0.00001; TOPMed below 0.00001; gnomAD 0.00001.
gnomAD v4.1: 4 of 1,603,066 alleles (0.00025%); highest among the groups gnomAD compares: African/African-American, 0.004%; no homozygotes.

Submissions (2):

Labcorp Genetics (formerly Invitae), Labcorp
Classification: Likely benign for Early-infantile DEE. Last evaluated: 2023-12-06. Review status: criteria provided, single submitter. Criteria: Invitae Variant Classification Sherloc (09022015). Collection method: clinical testing. Allele origin: germline.

GeneDx
Classification: Likely benign. Last evaluated: 2017-06-23. Review status: criteria provided, single submitter. Criteria: GeneDx Variant Classification (06012015). Collection method: clinical testing. Allele origin: germline. Affected: yes.
Comment: This variant is considered likely benign or benign based on one or more of the following criteria: it is a conservative change, it occurs at a poorly conserved position in the protein, it is predicted to be benign by multiple in silico algorithms, and/or has population frequency not consistent with disease.

NM_001165963.4(SCN1A):c.4284+19C>A

Genes: SCN1A (sodium voltage-gated channel alpha subunit 1; minus strand), LOC102724058 (uncharacterized LOC102724058; plus strand). Cytogenetic location: 2q24.3.
Variant type: single nucleotide variant.
Coding change: c.4284+19C>A on transcript NM_001165963.4 (MANE Select); 19 bases into the intron after coding-DNA position 4284, C replaced by A.
Molecular consequence: intron variant.
Genome position (GRCh38, 1-based): chr2:166,002,453, G>T on the plus strand (C>A on the coding strand, the complement: SCN1A is on the minus strand). VCF-style: chr2-166002453-G-T. GRCh37 (hg19) VCF-style: chr2-166858963-G-T.
Other names: c.4251+19C>A (NM_001353949.2, NM_001353950.2, NM_001353951.2 and 2 more transcripts); c.4200+19C>A (NM_001353958.2, NM_001353957.2, NM_001165964.3); c.4284+19C>A (NM_001202435.3, NM_001353948.2); c.4248+19C>A (NM_001353955.2, NM_001353954.2); c.4197+19C>A (NM_001353960.2); c.1842+19C>A (NM_001353961.2).
Identifiers: ClinVar variation 516616 (VCV000516616.4), dbSNP rs1383995139, ClinGen allele CA537133877.
Genomic context (GRCh38, chr2:166,002,453, plus strand): 5'-ACTAAATAATAGATGTATGTCATTATTTTGTTATTATTCCAAACAATAAAAATATTCAGA[G>T]AAAATAGTGTTCACTTACAACTTGAAGCAAAGAGAGATACCCAAATCCTACATTATCAAA-3'